The following is an entry in ClinVar:

ClinVar aggregate classification (germline): Uncertain significance. Review status: criteria provided, multiple submitters, no conflicts (2 of 4 stars). 3 submissions from 3 submitters: Uncertain significance (3). Last evaluated 2025-09-07.

Conditions:
DICER1-related tumor predisposition. Also called: DICER1-related pleuropulmonary blastoma cancer predisposition syndrome; DICER1 syndrome. Identifiers: Orphanet 284343, MedGen C3839822, MONDO:0100216.
Hereditary cancer-predisposing syndrome. Also called: Hereditary Cancer Syndrome; Neoplastic Syndromes, Hereditary; Hereditary neoplastic syndrome; Tumor predisposition. Identifiers: Orphanet 140162, MedGen C0027672, MeSH D009386, MONDO:0015356.

Allele frequency attached by ClinVar (database versions not stated): gnomAD exomes below 0.00001 and 0.00001; TOPMed below 0.00001.
gnomAD v4.1: 5 of 1,614,110 alleles (0.00031%); highest among the groups gnomAD compares: Admixed American, 0.005%; no homozygotes.

Submissions (3):

Labcorp Genetics (formerly Invitae), Labcorp
Classification: Uncertain significance for DICER1-related tumor predisposition. Last evaluated: 2025-09-07. Review status: criteria provided, single submitter. Criteria: Invitae Variant Classification Sherloc (09022015). Collection method: clinical testing. Allele origin: germline.
Comment: This sequence change replaces valine, which is neutral and non-polar, with alanine, which is neutral and non-polar, at codon 522 of the DICER1 protein (p.Val522Ala). This variant is present in population databases (no rsID available, gnomAD 0.009%). This variant has not been reported in the literature in individuals affected with DICER1-related conditions. ClinVar contains an entry for this variant (Variation ID: 819525). Invitae Evidence Modeling of protein sequence and biophysical properties (such as structural, functional, and spatial information, amino acid conservation, physicochemical variation, residue mobility, and thermodynamic stability) indicates that this missense variant is not expected to disrupt DICER1 protein function with a negative predictive value of 95%. In summary, the available evidence is currently insufficient to determine the role of this variant in disease. Therefore, it has been classified as a Variant of Uncertain Significance.

Ambry Genetics
Classification: Uncertain significance for Hereditary cancer-predisposing syndrome. Last evaluated: 2025-02-06. Review status: criteria provided, single submitter. Criteria: Ambry Variant Classification Scheme 2023. Collection method: clinical testing. Allele origin: germline.
Comment: The p.V522A variant (also known as c.1565T>C), located in coding exon 9 of the DICER1 gene, results from a T to C substitution at nucleotide position 1565. The valine at codon 522 is replaced by alanine, an amino acid with similar properties. This amino acid position is highly conserved in available vertebrate species. In addition, the in silico prediction for this alteration is inconclusive. Since supporting evidence is limited at this time, the clinical significance of this alteration remains unclear.

Quest Diagnostics Nichols Institute San Juan Capistrano
Classification: Uncertain significance. Last evaluated: 2025-02-05. Review status: criteria provided, single submitter. Criteria: Quest Diagnostics criteria. Collection method: clinical testing. Allele origin: unknown.
Comment: The DICER1 c.1565T>C (p.Val522Ala) variant has not been reported in individuals with DICER1-related conditions in the published literature. The frequency of this variant in the general population (Genome Aggregation Database) is uninformative in the assessment of its pathogenicity. Analysis of this variant using bioinformatics tools for the prediction of the effect of amino acid changes on protein structure and function yielded predictions that this variant is damaging. Based on the available information, we are unable to determine the clinical significance of this variant.

NM_177438.3(DICER1):c.1565T>C (p.Val522Ala)

Gene: DICER1 (dicer 1, ribonuclease III; minus strand). Cytogenetic location: 14q32.13.
Variant type: single nucleotide variant.
Coding change: c.1565T>C on transcript NM_177438.3 (MANE Select); coding-DNA position 1565, T replaced by C.
Protein change: p.Val522Ala; replaces valine 522 with alanine.
Molecular consequence: missense variant.
Genome position (GRCh38, 1-based): chr14:95,116,640, A>G on the plus strand (T>C on the coding strand, the complement: DICER1 is on the minus strand). VCF-style: chr14-95116640-A-G. GRCh37 (hg19) VCF-style: chr14-95582977-A-G.
Other names: c.1565T>C, p.Val522Ala (NM_001195573.1, NM_001271282.3, NM_001291628.2 and 1 more transcripts); short protein forms V522A.
Identifiers: ClinVar variation 819525 (VCV000819525.17), dbSNP rs1178338521, ClinGen allele CA390885064.
Genomic context (GRCh38, chr14:95,116,640, plus strand): 5'-TCTGTGGGCAAATCAAAACGAACCACCAAGTTGCATTTTGGTATATCAACACCCTCTTCT[A>G]CAATACTTGTTGCAATAAGCAGGTTGGTCTCATGTGCTCGAAATTTCCTAAGTACCTGAA-3'
Protein context (NP_803187.1, residues 512-532): ETNLLIATSI[Val522Ala]EEGVDIPKCN